The following is an entry in ClinVar:

NM_001041.4(SI):c.2371C>T (p.Leu791Phe)

Gene: SI (sucrase-isomaltase; minus strand). Cytogenetic location: 3q26.1.
Variant type: single nucleotide variant.
Coding change: c.2371C>T on transcript NM_001041.4 (MANE Select); coding-DNA position 2371, C replaced by T.
Protein change: p.Leu791Phe; replaces leucine 791 with phenylalanine.
Molecular consequence: missense variant.
Genome position (GRCh38, 1-based): chr3:165,037,955, G>A on the plus strand (C>T on the coding strand, the complement: SI is on the minus strand). VCF-style: chr3-165037955-G-A. GRCh37 (hg19) VCF-style: chr3-164755743-G-A.
Other names: short protein forms L791F.
Identifiers: ClinVar variation 2010223 (VCV002010223.2), dbSNP rs764441493, ClinGen allele CA2690719.

ClinVar aggregate classification (germline): Uncertain significance (1 of 4 stars; one submission).

Allele frequency attached by ClinVar (database versions not stated): gnomAD 0.00001; gnomAD exomes 0.00001; ExAC 0.00003.
gnomAD v4.1: 16 of 1,611,320 alleles (0.00099%); highest among the groups gnomAD compares: South Asian, 0.015%; no homozygotes.

Submission:

Labcorp Genetics (formerly Invitae), Labcorp
Classification: Uncertain significance. Last evaluated: 2022-08-20. Review status: criteria provided, single submitter. Criteria: Invitae Variant Classification Sherloc (09022015). Collection method: clinical testing. Allele origin: germline.
Comment: In summary, the available evidence is currently insufficient to determine the role of this variant in disease. Therefore, it has been classified as a Variant of Uncertain Significance. Advanced modeling of protein sequence and biophysical properties (such as structural, functional, and spatial information, amino acid conservation, physicochemical variation, residue mobility, and thermodynamic stability) performed at Invitae indicates that this missense variant is expected to disrupt SI protein function. This variant has not been reported in the literature in individuals affected with SI-related conditions. This variant is present in population databases (rs764441493, gnomAD 0.01%). This sequence change replaces leucine, which is neutral and non-polar, with phenylalanine, which is neutral and non-polar, at codon 791 of the SI protein (p.Leu791Phe).